The following is an entry in ClinVar:

NM_000722.4(CACNA2D1):c.2300A>G (p.Tyr767Cys)

Gene: CACNA2D1 (calcium voltage-gated channel auxiliary subunit alpha2delta 1; minus strand). Cytogenetic location: 7q21.11.
Variant type: single nucleotide variant.
Coding change: c.2300A>G on transcript NM_000722.4 (MANE Select); coding-DNA position 2300, A replaced by G.
Protein change: p.Tyr767Cys; replaces tyrosine 767 with cysteine.
Molecular consequence: missense variant.
Genome position (GRCh38, 1-based): chr7:81,969,889, T>C on the plus strand (A>G on the coding strand, the complement: CACNA2D1 is on the minus strand). VCF-style: chr7-81969889-T-C. GRCh37 (hg19) VCF-style: chr7-81599205-T-C.
Other names: c.2336A>G, p.Tyr779Cys (NM_001366867.1); short protein forms Y779C, Y767C.
Identifiers: ClinVar variation 2174151 (VCV002174151.5), dbSNP rs770556456, ClinGen allele CA4317682.

ClinVar aggregate classification (germline): Uncertain significance. Review status: criteria provided, multiple submitters, no conflicts (2 of 4 stars). 2 submissions from 2 submitters: Uncertain significance (2). Last evaluated 2025-10-01.

Conditions:
Brugada syndrome. Also called: Sudden Unexplained Death Syndrome; Sudden Unexplained Nocturnal Death Syndrome (SUNDS); Sudden unexpected nocturnal death syndrome; Sudden unexplained nocturnal death syndrome. Identifiers: Orphanet 130, MedGen C1142166, MONDO:0015263.
Cardiovascular phenotype. Identifiers: MedGen CN230736.

Allele frequency attached by ClinVar (database versions not stated): gnomAD exomes below 0.00001; TOPMed below 0.00001; ExAC 0.00001; gnomAD 0.00001.
gnomAD v4.1: 3 of 1,561,662 alleles (0.00019%); highest among the groups gnomAD compares: Non-Finnish European, 0.00026%; no homozygotes.

Submissions (2):

Ambry Genetics
Classification: Uncertain significance for Cardiovascular phenotype. Last evaluated: 2025-10-01. Review status: criteria provided, single submitter. Criteria: Ambry Variant Classification Scheme 2023. Collection method: clinical testing. Allele origin: germline.
Comment: The p.Y767C variant (also known as c.2300A>G), located in coding exon 28 of the CACNA2D1 gene, results from an A to G substitution at nucleotide position 2300. The tyrosine at codon 767 is replaced by cysteine, an amino acid with highly dissimilar properties. This amino acid position is conserved. In addition, the in silico prediction for this alteration is inconclusive. Based on the available evidence, the clinical significance of this variant remains unclear.

Labcorp Genetics (formerly Invitae), Labcorp
Classification: Uncertain significance for Brugada syndrome. Last evaluated: 2022-01-03. Review status: criteria provided, single submitter. Criteria: Invitae Variant Classification Sherloc (09022015). Collection method: clinical testing. Allele origin: germline.
Comment: In summary, the available evidence is currently insufficient to determine the role of this variant in disease. Therefore, it has been classified as a Variant of Uncertain Significance. Algorithms developed to predict the effect of missense changes on protein structure and function are either unavailable or do not agree on the potential impact of this missense change (SIFT: "Tolerated"; PolyPhen-2: "Possibly Damaging"; Align-GVGD: "Class C0"). This variant has not been reported in the literature in individuals affected with CACNA2D1-related conditions. This variant is present in population databases (rs770556456, gnomAD 0.0009%). This sequence change replaces tyrosine, which is neutral and polar, with cysteine, which is neutral and slightly polar, at codon 767 of the CACNA2D1 protein (p.Tyr767Cys).